The following is an entry in ClinVar:

NM_016122.3(CEP83):c.695C>T (p.Ala232Val)

Gene: CEP83 (centrosomal protein 83; minus strand). Cytogenetic location: 12q22.
Variant type: single nucleotide variant.
Coding change: c.695C>T on transcript NM_016122.3 (MANE Select); coding-DNA position 695, C replaced by T.
Protein change: p.Ala232Val; replaces alanine 232 with valine.
Molecular consequence: missense variant. On other transcripts: non-coding transcript variant (3).
Genome position (GRCh38, 1-based): chr12:94,378,897, G>A on the plus strand (C>T on the coding strand, the complement: CEP83 is on the minus strand). VCF-style: chr12-94378897-G-A. GRCh37 (hg19) VCF-style: chr12-94772673-G-A.
Other names: c.695C>T, p.Ala232Val (NM_001042399.2, NM_001346457.2, NM_001346460.2 and 3 more transcripts); c.383C>T, p.Ala128Val (NM_001346458.2, NM_001346459.2, NM_001346462.2 and 2 more transcripts); c.470C>T, p.Ala157Val (NM_001368041.1); c.158C>T, p.Ala53Val (NM_001368042.1); c.695C>T (NM_016122.2); short protein forms A232V, A128V, A157V, A53V.
Identifiers: ClinVar variation 1447711 (VCV001447711.6), dbSNP rs376769010, ClinGen allele CA6721863.

ClinVar aggregate classification (germline): Uncertain significance. Review status: criteria provided, multiple submitters, no conflicts (2 of 4 stars). 2 submissions from 2 submitters: Uncertain significance (2). Last evaluated 2025-05-20.

Conditions:
Nephronophthisis 18 (NPHP18). Identifiers: Orphanet 655, MedGen C3890591, MONDO:0014374, OMIM 615862.
Inborn genetic diseases. Identifiers: MedGen C0950123, MeSH D030342.

Allele frequency attached by ClinVar (database versions not stated): ExAC 0.00002; gnomAD exomes 0.00002; ESP Exome Variant Server 0.00008; TOPMed below 0.00001.
gnomAD v4.1: 38 of 1,613,936 alleles (0.0024%); highest among the groups gnomAD compares: Middle Eastern, 0.016%; no homozygotes.

Submissions (2):

Ambry Genetics
Classification: Uncertain significance for Inborn genetic diseases. Last evaluated: 2025-05-20. Review status: criteria provided, single submitter. Criteria: Ambry Variant Classification Scheme 2023. Collection method: clinical testing. Allele origin: germline.

Labcorp Genetics (formerly Invitae), Labcorp
Classification: Uncertain significance for Nephronophthisis 18. Last evaluated: 2023-12-06. Review status: criteria provided, single submitter. Criteria: Invitae Variant Classification Sherloc (09022015). Collection method: clinical testing. Allele origin: germline.
Comment: This sequence change replaces alanine, which is neutral and non-polar, with valine, which is neutral and non-polar, at codon 232 of the CEP83 protein (p.Ala232Val). This variant is present in population databases (rs376769010, gnomAD 0.004%). This variant has not been reported in the literature in individuals affected with CEP83-related conditions. ClinVar contains an entry for this variant (Variation ID: 1447711). Advanced modeling of protein sequence and biophysical properties (such as structural, functional, and spatial information, amino acid conservation, physicochemical variation, residue mobility, and thermodynamic stability) performed at Invitae indicates that this missense variant is not expected to disrupt CEP83 protein function with a negative predictive value of 80%. In summary, the available evidence is currently insufficient to determine the role of this variant in disease. Therefore, it has been classified as a Variant of Uncertain Significance.